The following is an entry in ClinVar:

NM_004247.4(EFTUD2):c.1011A>C (p.Gln337His)

Gene: EFTUD2 (elongation factor Tu GTP binding domain containing 2; minus strand). Cytogenetic location: 17q21.31.
Variant type: single nucleotide variant.
Coding change: c.1011A>C on transcript NM_004247.4 (MANE Select); coding-DNA position 1011, A replaced by C.
Protein change: p.Gln337His; replaces glutamine 337 with histidine.
Molecular consequence: missense variant.
Genome position (GRCh38, 1-based): chr17:44,868,334, T>G on the plus strand (A>C on the coding strand, the complement: EFTUD2 is on the minus strand). VCF-style: chr17-44868334-T-G. GRCh37 (hg19) VCF-style: chr17-42945702-T-G.
Other names: c.906A>C, p.Gln302His (NM_001142605.2); c.1011A>C, p.Gln337His (NM_001258353.2); c.981A>C, p.Gln327His (NM_001258354.2); short protein forms Q302H, Q327H, Q337H.
Identifiers: ClinVar variation 3370200 (VCV003370200.1).
Genomic context (GRCh38, chr17:44,868,334, plus strand): 5'-ATACTCTACTTACGTCTTAGGGTTGAAGTAGATGTCACCCCAGAGTCTTTTAGCAAATTC[T>G]TGGTAATTAATGTCACCTATGGGAGAAGCCACACAATTATAATCTACCTAGCAAAGTGTC-3'
Protein context (NP_004238.3, residues 327-347): YADTFGDINY[Gln337His]EFAKRLWGDI

ClinVar aggregate classification (germline): Uncertain significance (1 of 4 stars; one submission).

Submission:

GeneDx
Classification: Uncertain significance. Last evaluated: 2023-12-28. Review status: criteria provided, single submitter. Criteria: GeneDx Variant Classification Process June 2021. Collection method: clinical testing. Allele origin: germline. Affected: yes.
Comment: Not observed at significant frequency in large population cohorts (gnomAD); In silico analysis supports that this missense variant does not alter protein structure/function; Has not been previously published as pathogenic or benign to our knowledge